The following is an entry in ClinVar:

NM_018834.6(MATR3):c.2072G>A (p.Gly691Glu)

Genes: MATR3 (matrin 3; plus strand), LOC126807526 (CDK7 strongly-dependent group 2 enhancer GRCh37_chr5:138657767-138658966; plus strand). Cytogenetic location: 5q31.2.
Variant type: single nucleotide variant.
Coding change: c.2072G>A on transcript NM_018834.6 (MANE Select); coding-DNA position 2072, G replaced by A.
Protein change: p.Gly691Glu; replaces glycine 691 with glutamic acid.
Molecular consequence: missense variant.
Genome position (GRCh38, 1-based): chr5:139,322,891, G>A. VCF-style: chr5-139322891-G-A. GRCh37 (hg19) VCF-style: chr5-138658580-G-A.
Other names: c.2072G>A, p.Gly691Glu (NM_001194954.2, NM_001194955.2, NM_001400441.1 and 16 more transcripts); c.1208G>A, p.Gly403Glu (NM_001194956.2); c.1058G>A, p.Gly353Glu (NM_001282278.2, NM_001400460.1, NM_001400462.1 and 5 more transcripts); c.1211G>A, p.Gly404Glu (NM_001400459.1); c.1172G>A, p.Gly391Glu (NM_001400461.1); c.2072G>A (NM_199189.2); short protein forms G391E, G404E, G691E, G403E, G353E.
Identifiers: ClinVar variation 2194566 (VCV002194566.5), dbSNP rs2546864628, ClinGen allele CA361144862.

ClinVar aggregate classification (germline): Uncertain significance. Review status: criteria provided, multiple submitters, no conflicts (2 of 4 stars). 2 submissions from 2 submitters: Uncertain significance (2). Last evaluated 2022-07-19.

Conditions:
Inborn genetic diseases. Identifiers: MedGen C0950123, MeSH D030342.
Amyotrophic lateral sclerosis type 21. Also called: VOCAL CORD AND PHARYNGEAL DYSFUNCTION WITH DISTAL MYOPATHY; MYOPATHY, DISTAL, 2. Identifiers: Orphanet 600, Orphanet 803, MedGen C3807521, MONDO:0011632, OMIM 606070.

Submissions (2):

Ambry Genetics
Classification: Uncertain significance for Inborn genetic diseases. Last evaluated: 2022-07-19. Review status: criteria provided, single submitter. Criteria: Ambry Variant Classification Scheme 2023. Collection method: clinical testing. Allele origin: germline.

Labcorp Genetics (formerly Invitae), Labcorp
Classification: Uncertain significance for Amyotrophic lateral sclerosis type 21. Last evaluated: 2022-03-26. Review status: criteria provided, single submitter. Criteria: Invitae Variant Classification Sherloc (09022015). Collection method: clinical testing. Allele origin: germline.
Comment: In summary, the available evidence is currently insufficient to determine the role of this variant in disease. Therefore, it has been classified as a Variant of Uncertain Significance. Algorithms developed to predict the effect of missense changes on protein structure and function (SIFT, PolyPhen-2, Align-GVGD) all suggest that this variant is likely to be tolerated. This variant has not been reported in the literature in individuals affected with MATR3-related conditions. This variant is not present in population databases (gnomAD no frequency). This sequence change replaces glycine, which is neutral and non-polar, with glutamic acid, which is acidic and polar, at codon 691 of the MATR3 protein (p.Gly691Glu).